The following is an entry in ClinVar:

NM_207341.4(ZP1):c.219T>C (p.Asp73=)

Gene: ZP1 (zona pellucida glycoprotein 1; plus strand). Cytogenetic location: 11q12.2.
Variant type: single nucleotide variant.
Coding change: c.219T>C on transcript NM_207341.4 (MANE Select); coding-DNA position 219, T replaced by C.
Protein change: p.Asp73=; no amino-acid change (aspartic acid 73 retained).
Molecular consequence: synonymous variant.
Genome position (GRCh38, 1-based): chr11:60,869,167, T>C. VCF-style: chr11-60869167-T-C. GRCh37 (hg19) VCF-style: chr11-60636640-T-C.
Identifiers: ClinVar variation 4533909 (VCV004533909.6).
Genomic context (GRCh38, chr11:60,869,167, plus strand): 5'-CTTCAACATCCCTGGCCCCTCCCCTTCCCCCACTGCAGATGAATTTGGGAACCGATTTGA[T>C]GTCAACAACTGCTCCATCTGCTACCACTGGGTCACCTCCAGGCCGCAGGAGCCTGCAGTC-3'
Protein context (NP_997224.2, residues 63-83): KVVDEFGNRF[Asp73=]VNNCSICYHW

ClinVar aggregate classification (germline): Likely benign (1 of 4 stars; one submission).

gnomAD v4.1: 183 of 1,614,132 alleles (0.011%); highest among the groups gnomAD compares: Non-Finnish European, 0.0086%; 1 homozygote.

Submission:

CeGaT Center for Human Genetics Tuebingen
Classification: Likely benign. Last evaluated: 2025-10-01. Review status: criteria provided, single submitter. Criteria: CeGaT Center For Human Genetics Tuebingen Variant Classification Criteria Version 2. Collection method: clinical testing. Allele origin: germline. Affected: yes. Observed: 1 variant allele.
Comment: ZP1: BP4, BP7